The following is an entry in ClinVar:

ClinVar aggregate classification (germline): Uncertain significance (1 of 4 stars; one submission).

Conditions:
Encephalopathy, acute, infection-induced (herpes-specific), susceptibility to, 1. Also called: Herpes simplex encephalitis, susceptibility to, 1. Identifiers: Orphanet 1930, MedGen C2750180, MONDO:0024563, OMIM 610551.

Allele frequency attached by ClinVar (database versions not stated): gnomAD exomes 0.00001.
gnomAD v4.1: 6 of 1,613,794 alleles (0.00037%); highest among the groups gnomAD compares: Non-Finnish European, 0.00051%; no homozygotes.

Submission:

Labcorp Genetics (formerly Invitae), Labcorp
Classification: Uncertain significance for Encephalopathy, acute, infection-induced (herpes-specific), susceptibility to, 1. Last evaluated: 2023-10-03. Review status: criteria provided, single submitter. Criteria: Invitae Variant Classification Sherloc (09022015). Collection method: clinical testing. Allele origin: germline.
Comment: This sequence change replaces isoleucine, which is neutral and non-polar, with phenylalanine, which is neutral and non-polar, at codon 150 of the TLR3 protein (p.Ile150Phe). This variant is not present in population databases (gnomAD no frequency). This variant has not been reported in the literature in individuals affected with TLR3-related conditions. ClinVar contains an entry for this variant (Variation ID: 1004752). An algorithm developed to predict the effect of missense changes on protein structure and function (PolyPhen-2) suggests that this variant is likely to be tolerated. In summary, the available evidence is currently insufficient to determine the role of this variant in disease. Therefore, it has been classified as a Variant of Uncertain Significance.

NM_003265.3(TLR3):c.448A>T (p.Ile150Phe)

Gene: TLR3 (toll like receptor 3; plus strand). Cytogenetic location: 4q35.1.
Variant type: single nucleotide variant.
Coding change: c.448A>T on transcript NM_003265.3 (MANE Select); coding-DNA position 448, A replaced by T.
Protein change: p.Ile150Phe; replaces isoleucine 150 with phenylalanine.
Molecular consequence: missense variant.
Genome position (GRCh38, 1-based): chr4:186,078,846, A>T. VCF-style: chr4-186078846-A-T. GRCh37 (hg19) VCF-style: chr4-187000000-A-T.
Other names: short protein forms I150F.
Identifiers: ClinVar variation 1004752 (VCV001004752.10), dbSNP rs2099302909, ClinGen allele CA359108085.